The following is an entry in ClinVar:

NM_005051.3(QARS1):c.1978A>T (p.Ser660Cys)

Gene: QARS1 (glutaminyl-tRNA synthetase 1; minus strand). Cytogenetic location: 3p21.31.
Variant type: single nucleotide variant.
Coding change: c.1978A>T on transcript NM_005051.3 (MANE Select); coding-DNA position 1978, A replaced by T.
Protein change: p.Ser660Cys; replaces serine 660 with cysteine.
Molecular consequence: missense variant. On other transcripts: non-coding transcript variant (1).
Genome position (GRCh38, 1-based): chr3:49,098,459, T>A on the plus strand (A>T on the coding strand, the complement: QARS1 is on the minus strand). VCF-style: chr3-49098459-T-A. GRCh37 (hg19) VCF-style: chr3-49135892-T-A.
Other names: c.1945A>T, p.Ser649Cys (NM_001272073.2); short protein forms S660C, S649C.
Identifiers: ClinVar variation 944820 (VCV000944820.6), dbSNP rs2042421299, ClinGen allele CA352699554.

ClinVar aggregate classification (germline): Uncertain significance (1 of 4 stars; one submission).

Conditions:
Diffuse cerebral and cerebellar atrophy - intractable seizures - progressive microcephaly syndrome. Also called: Microcephaly, progressive, with seizures and cerebral and cerebellar atrophy. Identifiers: Orphanet 404437, MedGen C4014239, MONDO:0014335, OMIM 615760.

Submission:

Labcorp Genetics (formerly Invitae), Labcorp
Classification: Uncertain significance for Diffuse cerebral and cerebellar atrophy - intractable seizures - progressive microcephaly syndrome. Last evaluated: 2020-01-15. Review status: criteria provided, single submitter. Criteria: Invitae Variant Classification Sherloc (09022015). Collection method: clinical testing. Allele origin: germline.
Comment: In summary, the available evidence is currently insufficient to determine the role of this variant in disease. Therefore, it has been classified as a Variant of Uncertain Significance. Algorithms developed to predict the effect of missense changes on protein structure and function output the following: SIFT: "Deleterious"; PolyPhen-2: "Benign"; Align-GVGD: "Class C15". The cysteine amino acid residue is found in multiple mammalian species, suggesting that this missense change does not adversely affect protein function. These predictions have not been confirmed by published functional studies and their clinical significance is uncertain. This variant has not been reported in the literature in individuals with QARS-related conditions. This variant is not present in population databases (ExAC no frequency). This sequence change replaces serine with cysteine at codon 660 of the QARS protein (p.Ser660Cys). The serine residue is weakly conserved and there is a moderate physicochemical difference between serine and cysteine.